The following is an entry in ClinVar:

ClinVar aggregate classification (germline): Conflicting classifications of pathogenicity. Review status: criteria provided, conflicting classifications (1 of 4 stars). 5 submissions from 5 submitters: Uncertain significance (1); Benign (1); Likely benign (3). Last evaluated 2026-02-13.

Conditions:
Retinal dystrophy. Also called: Inherited retinal dystrophy. Identifiers: Orphanet 71862, MedGen C0854723, MeSH D058499, MONDO:0019118, HP:0000556.
PRPF31-related disorder. Also called: PRPF31-related condition.
Retinitis pigmentosa (RP). Identifiers: Orphanet 791, MedGen C0035334, MeSH D012174, MONDO:0019200, OMIM 268000. Inheritance: Autosomal dominant, autosomal recessive and X linked inheritance.

Allele frequency attached by ClinVar (database versions not stated): TOPMed 0.00005; gnomAD 0.00008 and 0.00009; gnomAD exomes 0.00012 and 0.00014; ESP Exome Variant Server 0.00015; 1000 Genomes Project 30x 0.00016; 1000 Genomes Project 0.00020; ExAC 0.00026.
gnomAD v4.1: 215 of 1,581,746 alleles (0.014%); highest among the groups gnomAD compares: South Asian, 0.047%; no homozygotes.

Submissions (5):

PreventionGenetics, part of Exact Sciences
Classification: Likely benign for PRPF31-related condition. Last evaluated: 2026-02-13. Review status: criteria provided, single submitter. Criteria: ACMG Guidelines, 2015. Collection method: clinical testing. Allele origin: germline.
Comment: This variant is classified as likely benign based on ACMG/AMP sequence variant interpretation guidelines (Richards et al. 2015 PMID: 25741868, with internal and published modifications).

Labcorp Genetics (formerly Invitae), Labcorp
Classification: Likely benign. Last evaluated: 2025-08-05. Review status: criteria provided, single submitter. Criteria: Invitae Variant Classification Sherloc (09022015). Collection method: clinical testing. Allele origin: germline.

Blueprint Genetics
Classification: Likely benign. Last evaluated: 2024-08-02. Review status: criteria provided, single submitter. Criteria: ACMG Guidelines, 2015. Collection method: clinical testing. Allele origin: germline.

Dept Of Ophthalmology, Nagoya University
Classification: Benign for Retinal dystrophy. Last evaluated: 2023-10-01. Review status: criteria provided, single submitter. Criteria: Submitter's publication. Collection method: research. Allele origin: germline. Affected: yes.

Illumina Laboratory Services, Illumina
Classification: Uncertain significance for Retinitis pigmentosa. Last evaluated: 2018-01-13. Review status: criteria provided, single submitter. Criteria: ICSL Variant Classification Criteria 13 December 2019. Collection method: clinical testing. Allele origin: germline.

NM_015629.4(PRPF31):c.1239C>T (p.Asn413=)

Gene: PRPF31 (pre-mRNA processing factor 31; plus strand). Cytogenetic location: 19q13.42.
Variant type: single nucleotide variant.
Coding change: c.1239C>T on transcript NM_015629.4 (MANE Select); coding-DNA position 1239, C replaced by T.
Protein change: p.Asn413=; no amino-acid change (asparagine 413 retained).
Molecular consequence: synonymous variant.
Genome position (GRCh38, 1-based): chr19:54,129,149, C>T. VCF-style: chr19-54129149-C-T. GRCh37 (hg19) VCF-style: chr19-54632524-C-T.
Identifiers: ClinVar variation 894692 (VCV000894692.11), dbSNP rs371720691, ClinGen allele CA309330569.